The following is an entry in ClinVar:

NM_000077.5(CDKN2A):c.263A>T (p.Glu88Val)

Gene: CDKN2A (cyclin dependent kinase inhibitor 2A; minus strand). Cytogenetic location: 9p21.3.
Variant type: single nucleotide variant.
Coding change: c.263A>T on transcript NM_000077.5; coding-DNA position 263, A replaced by T.
Protein change: p.Glu88Val; replaces glutamic acid 88 with valine.
Molecular consequence: missense variant (on NM_000077.6). On other transcripts: synonymous variant (1), 3 prime UTR variant (1).
Genome position (GRCh38, 1-based): chr9:21,971,096, T>A on the plus strand (A>T on the coding strand, the complement: CDKN2A is on the minus strand). VCF-style: chr9-21971096-T-A. GRCh37 (hg19) VCF-style: chr9-21971095-T-A.
Other names: c.263A>T, p.Glu88Val (NM_000077.6, NM_001195132.2); c.110A>T, p.Glu37Val (NM_001363763.2); c.306A>T, p.Gly102= (NM_058195.4); c.*186A>T (NM_058197.5); short protein forms E37V, E88V.
Identifiers: ClinVar variation 1794163 (VCV001794163.2), dbSNP rs2131094763, ClinGen allele CA373086202.

ClinVar aggregate classification (germline): Uncertain significance (1 of 4 stars; one submission).

Conditions:
Hereditary cancer-predisposing syndrome. Also called: Hereditary neoplastic syndrome; Neoplastic Syndromes, Hereditary; Tumor predisposition; Hereditary Cancer Syndrome. Identifiers: Orphanet 140162, MedGen C0027672, MeSH D009386, MONDO:0015356.

Submission:

Ambry Genetics
Classification: Uncertain significance for Hereditary cancer-predisposing syndrome. Last evaluated: 2021-11-15. Review status: criteria provided, single submitter. Criteria: Ambry Variant Classification Scheme 2023. Collection method: clinical testing. Allele origin: germline.
Comment: The p.E88V variant (also known as c.263A>T), located in coding exon 2 of the CDKN2A gene, results from an A to T substitution at nucleotide position 263. The glutamic acid at codon 88 is replaced by valine, an amino acid with dissimilar properties. This amino acid position is not well conserved in available vertebrate species. In addition, this alteration is predicted to be deleterious by in silico analysis. Since supporting evidence is limited at this time, the clinical significance of this alteration remains unclear.